The following is an entry in ClinVar:

NM_003476.5(CSRP3):c.511T>C (p.Cys171Arg)

Gene: CSRP3 (cysteine and glycine rich protein 3; minus strand). Cytogenetic location: 11p15.1.
Variant type: single nucleotide variant.
Coding change: c.511T>C on transcript NM_003476.5 (MANE Select); coding-DNA position 511, T replaced by C.
Protein change: p.Cys171Arg; replaces cysteine 171 with arginine.
Molecular consequence: missense variant. On other transcripts: synonymous variant (1).
Genome position (GRCh38, 1-based): chr11:19,182,744, A>G on the plus strand (T>C on the coding strand, the complement: CSRP3 is on the minus strand). VCF-style: chr11-19182744-A-G. GRCh37 (hg19) VCF-style: chr11-19204291-A-G.
Other names: c.511T>C, p.Cys171Arg (NM_001127656.1); c.342T>C, p.Phe114= (NM_001369404.1); short protein forms C171R.
Identifiers: ClinVar variation 1745475 (VCV001745475.5), dbSNP rs770760020, ClinGen allele CA218632022.

ClinVar aggregate classification (germline): Uncertain significance. Review status: criteria provided, multiple submitters, no conflicts (2 of 4 stars). 2 submissions from 2 submitters: Uncertain significance (2). Last evaluated 2025-07-24.

Conditions:
Hypertrophic cardiomyopathy 12. Identifiers: MedGen C2677491, MONDO:0012804, OMIM 612124.
Dilated cardiomyopathy 1M (CMD1M). Identifiers: Orphanet 154, MedGen C1843808, MONDO:0011840, OMIM 607482.
Cardiovascular phenotype. Identifiers: MedGen CN230736.

Allele frequency attached by ClinVar (database versions not stated): TOPMed below 0.00001; gnomAD 0.00001.

Submissions (2):

Ambry Genetics
Classification: Uncertain significance for Cardiovascular phenotype. Last evaluated: 2025-07-24. Review status: criteria provided, single submitter. Criteria: Ambry Variant Classification Scheme 2023. Collection method: clinical testing. Allele origin: germline.
Comment: The p.C171R variant (also known as c.511T>C), located in coding exon 5 of the CSRP3 gene, results from a T to C substitution at nucleotide position 511. The cysteine at codon 171 is replaced by arginine, an amino acid with highly dissimilar properties. This amino acid position is highly conserved in available vertebrate species. In addition, this alteration is predicted to be deleterious by in silico analysis. Since supporting evidence is limited at this time, the clinical significance of this alteration remains unclear.

Labcorp Genetics (formerly Invitae), Labcorp
Classification: Uncertain significance for Hypertrophic cardiomyopathy 12; Dilated cardiomyopathy 1M. Last evaluated: 2024-10-10. Review status: criteria provided, single submitter. Criteria: Invitae Variant Classification Sherloc (09022015). Collection method: clinical testing. Allele origin: germline.
Comment: This sequence change replaces cysteine, which is neutral and slightly polar, with arginine, which is basic and polar, at codon 171 of the CSRP3 protein (p.Cys171Arg). This variant is not present in population databases (gnomAD no frequency). This variant has not been reported in the literature in individuals affected with CSRP3-related conditions. ClinVar contains an entry for this variant (Variation ID: 1745475). An algorithm developed to predict the effect of missense changes on protein structure and function (PolyPhen-2) suggests that this variant is likely to be disruptive. In summary, the available evidence is currently insufficient to determine the role of this variant in disease. Therefore, it has been classified as a Variant of Uncertain Significance.